The following is an entry in ClinVar:

ClinVar aggregate classification (germline): Likely benign. Review status: criteria provided, multiple submitters, no conflicts (2 of 4 stars). 2 submissions from 2 submitters: Likely benign (2). Last evaluated 2025-10-27.

Conditions:
Joubert syndrome. Also called: JOUBERT-BOLTSHAUSER SYNDROME; Familial aplasia of the vermis. Identifiers: Orphanet 475, MedGen C5979921, MONDO:0018772.
Meckel-Gruber syndrome. Also called: DYSENCEPHALIA SPLANCHNOCYSTICA; GRUBER SYNDROME; Dysencephalia splachnocystica. Identifiers: Orphanet 564, MedGen C0265215, MONDO:0018921.
CC2D2A-related disorder. Also called: CC2D2A-related condition; CC2D2A-related disorders. Identifiers: MedGen CN239313.

Allele frequency attached by ClinVar (database versions not stated): gnomAD 0.00001; TOPMed 0.00001; ExAC 0.00003; ESP Exome Variant Server 0.00008.
gnomAD v4.1: 2 of 1,513,526 alleles (0.00013%); highest among the groups gnomAD compares: African/African-American, 0.0014%; no homozygotes.

Submissions (2):

PreventionGenetics, part of Exact Sciences
Classification: Likely benign for CC2D2A-related condition. Last evaluated: 2025-10-27. Review status: criteria provided, single submitter. Criteria: ACMG Guidelines, 2015. Collection method: clinical testing. Allele origin: germline.
Comment: This variant is classified as likely benign based on ACMG/AMP sequence variant interpretation guidelines (Richards et al. 2015 PMID: 25741868, with internal and published modifications).

Labcorp Genetics (formerly Invitae), Labcorp
Classification: Likely benign for Joubert syndrome; Meckel-Gruber syndrome. Last evaluated: 2023-07-18. Review status: criteria provided, single submitter. Criteria: Invitae Variant Classification Sherloc (09022015). Collection method: clinical testing. Allele origin: germline.

NM_001378615.1(CC2D2A):c.4497-9T>C

Genes: CC2D2A (coiled-coil and C2 domain containing 2A; plus strand), FBXL5 (F-box and leucine rich repeat protein 5; minus strand). Cytogenetic location: 4p15.32.
Variant type: single nucleotide variant.
Coding change: c.4497-9T>C on transcript NM_001378615.1 (MANE Select); 9 bases into the intron before coding-DNA position 4497, T replaced by C.
Molecular consequence: intron variant.
Genome position (GRCh38, 1-based): chr4:15,599,520, T>C. VCF-style: chr4-15599520-T-C. GRCh37 (hg19) VCF-style: chr4-15601143-T-C.
Other names: c.4497-9T>C (NM_001080522.2); c.4350-9T>C (NM_001378617.1).
Identifiers: ClinVar variation 2944806 (VCV002944806.4), dbSNP rs375154355, ClinGen allele CA2864399.
Genomic context (GRCh38, chr4:15,599,520, plus strand): 5'-ATACTACATACATTTTTTAACAAGGGAAAAGTGAGTCACCAAAAAATGGAATTTATGTTT[T>C]GTGAACAGGATTGAAAAAATACTAAAAGAAAAAATCATGGACTGGAGGCCACGCCATCTG-3'